The following is an entry in ClinVar:

NM_001942.4(DSG1):c.2992G>C (p.Gly998Arg)

Genes: DSG1 (desmoglein 1; plus strand), DSG1-AS1 (DSG1 antisense RNA 1; minus strand). Cytogenetic location: 18q12.1.
Variant type: single nucleotide variant.
Coding change: c.2992G>C on transcript NM_001942.4 (MANE Select); coding-DNA position 2992, G replaced by C.
Protein change: p.Gly998Arg; replaces glycine 998 with arginine.
Molecular consequence: missense variant.
Genome position (GRCh38, 1-based): chr18:31,355,188, G>C. VCF-style: chr18-31355188-G-C. GRCh37 (hg19) VCF-style: chr18-28935151-G-C.
Other names: short protein forms G998R.
Identifiers: ClinVar variation 4726360 (VCV004726360.1).

ClinVar aggregate classification (germline): Uncertain significance (1 of 4 stars; one submission).

Submission:

Labcorp Genetics (formerly Invitae), Labcorp
Classification: Uncertain significance. Last evaluated: 2025-08-30. Review status: criteria provided, single submitter. Criteria: Invitae Variant Classification Sherloc (09022015). Collection method: clinical testing. Allele origin: germline.
Comment: This sequence change replaces glycine, which is neutral and non-polar, with arginine, which is basic and polar, at codon 998 of the DSG1 protein (p.Gly998Arg). This variant is not present in population databases (gnomAD no frequency). This variant has not been reported in the literature in individuals affected with DSG1-related conditions. An algorithm developed to predict the effect of missense changes on protein structure and function (PolyPhen-2) suggests that this variant is likely to be disruptive. In summary, the available evidence is currently insufficient to determine the role of this variant in disease. Therefore, it has been classified as a Variant of Uncertain Significance.